The following is an entry in ClinVar:

ClinVar aggregate classification (germline): Conflicting classifications of pathogenicity. Review status: criteria provided, conflicting classifications (1 of 4 stars). 2 submissions from 2 submitters: Uncertain significance (1); Likely benign (1). Last evaluated 2024-05-25.

Conditions:
Hereditary cancer-predisposing syndrome. Also called: Neoplastic Syndromes, Hereditary; Tumor predisposition; Hereditary Cancer Syndrome; Hereditary neoplastic syndrome. Identifiers: Orphanet 140162, MedGen C0027672, MeSH D009386, MONDO:0015356.
Familial cancer of breast. Also called: BREAST CANCER, FAMILIAL; Hereditary breast cancer; hereditary breast carcinoma. Identifiers: Orphanet 227535, MedGen C0346153, MONDO:0016419, OMIM 114480. Disease mechanism: loss of function.

Allele frequency attached by ClinVar (database versions not stated): gnomAD exomes below 0.00001; ExAC 0.00001.

Submissions (2):

Labcorp Genetics (formerly Invitae), Labcorp
Classification: Uncertain significance for Familial cancer of breast. Last evaluated: 2024-05-25. Review status: criteria provided, single submitter. Criteria: Invitae Variant Classification Sherloc (09022015). Collection method: clinical testing. Allele origin: germline.
Comment: This sequence change replaces leucine, which is neutral and non-polar, with valine, which is neutral and non-polar, at codon 63 of the PALB2 protein (p.Leu63Val). This variant is present in population databases (rs730881899, gnomAD 0.0009%). This missense change has been observed in individual(s) with breast cancer (PMID: 29052111). ClinVar contains an entry for this variant (Variation ID: 484196). Algorithms developed to predict the effect of missense changes on protein structure and function output the following: SIFT: "Not Available"; PolyPhen-2: "Benign"; Align-GVGD: "Not Available". The valine amino acid residue is found in multiple mammalian species, which suggests that this missense change does not adversely affect protein function. In summary, the available evidence is currently insufficient to determine the role of this variant in disease. Therefore, it has been classified as a Variant of Uncertain Significance.

Ambry Genetics
Classification: Likely benign for Hereditary cancer-predisposing syndrome. Last evaluated: 2018-06-19. Review status: criteria provided, single submitter. Criteria: Ambry Variant Classification Scheme 2023. Collection method: clinical testing. Allele origin: germline.

Literature cited by the submitters: PubMed 29052111 (cited by Labcorp Genetics (formerly Invitae), Labcorp).

NM_024675.4(PALB2):c.187C>G (p.Leu63Val)

Gene: PALB2 (partner and localizer of BRCA2; minus strand). Cytogenetic location: 16p12.2.
Variant type: single nucleotide variant.
Coding change: c.187C>G on transcript NM_024675.4 (MANE Select); coding-DNA position 187, C replaced by G.
Protein change: p.Leu63Val; replaces leucine 63 with valine.
Molecular consequence: missense variant.
Genome position (GRCh38, 1-based): chr16:23,637,874, G>C on the plus strand (C>G on the coding strand, the complement: PALB2 is on the minus strand). VCF-style: chr16-23637874-G-C. GRCh37 (hg19) VCF-style: chr16-23649195-G-C.
Other names: short protein forms L63V.
Identifiers: ClinVar variation 484196 (VCV000484196.12), dbSNP rs730881899, ClinGen allele CA7963829.